The following is an entry in ClinVar:

GRCh38/hg38 3q29(chr3:195631406-195699004)x3

Genes: MIR570HG (MIR570 host gene), LOC105374297 (uncharacterized LOC105374297). Cytogenetic location: 3q29.
Variant type: copy number gain.
Change: copy number 3 (three copies instead of two) of chr3:195,631,406-195,699,004 (67.6 kb, GRCh38 coordinates, 1-based), cytogenetic band 3q29.
Identifiers: ClinVar variation 144843 (VCV000144843.1).

ClinVar aggregate classification (germline): Benign/Likely benign (0 of 4 stars; one submission).

Submission:

GeneDx
Classification: Benign/Likely benign. Last evaluated: 2014-03-18. Review status: no assertion criteria provided. Collection method: clinical testing. Allele origin: not provided. Affected: yes. Observed: 43 variant alleles. Clinical features observed: Developmental delay AND/OR other significant developmental or morphological phenotypes, Global developmental delay (HP:0001263).
Comment: Likely benign (5), Benign (38)